The following is an entry in ClinVar:

ClinVar aggregate classification (germline): Uncertain significance (1 of 4 stars; one submission).

gnomAD v4.1: 168 of 1,614,082 alleles (0.01%); highest among the groups gnomAD compares: Middle Eastern, 0.15%; no homozygotes.

Submission:

CeGaT Center for Human Genetics Tuebingen
Classification: Uncertain significance. Last evaluated: 2025-11-01. Review status: criteria provided, single submitter. Criteria: CeGaT Center For Human Genetics Tuebingen Variant Classification Criteria Version 2. Collection method: clinical testing. Allele origin: germline. Affected: yes. Observed: 1 variant allele.
Comment: ADAMTSL1: PM2:Supporting, BP4

NM_001040272.6(ADAMTSL1):c.1462G>A (p.Val488Ile)

Gene: ADAMTSL1 (ADAMTS like 1; plus strand). Cytogenetic location: 9p22.1.
Variant type: single nucleotide variant.
Coding change: c.1462G>A on transcript NM_001040272.6 (MANE Select); coding-DNA position 1462, G replaced by A.
Protein change: p.Val488Ile; replaces valine 488 with isoleucine.
Molecular consequence: missense variant.
Genome position (GRCh38, 1-based): chr9:18,681,932, G>A. VCF-style: chr9-18681932-G-A. GRCh37 (hg19) VCF-style: chr9-18681930-G-A.
Other names: c.1462G>A, p.Val488Ile (NM_052866.5); short protein forms V488I.
Identifiers: ClinVar variation 4533549 (VCV004533549.6).
Genomic context (GRCh38, chr9:18,681,932, plus strand): 5'-GGAATGCACACAGGAGGCTGTAGCCCAAAAACAAAGCCCCACATAAAAGAGGAATGCATC[G>A]TACCCACTCCCTGCTATAAACCCAAAGGTAACTTGACAGGTGCTCTATTACCAGCCTGTT-3'
Protein context (NP_001035362.3, residues 478-498): TKPHIKEECI[Val488Ile]PTPCYKPKEK